The following is an entry in ClinVar:

NM_080473.5(GATA5):c.674C>T (p.Pro225Leu)

Gene: GATA5 (GATA binding protein 5; minus strand). Cytogenetic location: 20q13.33.
Variant type: single nucleotide variant.
Coding change: c.674C>T on transcript NM_080473.5 (MANE Select); coding-DNA position 674, C replaced by T.
Protein change: p.Pro225Leu; replaces proline 225 with leucine.
Molecular consequence: missense variant.
Genome position (GRCh38, 1-based): chr20:62,473,428, G>A on the plus strand (C>T on the coding strand, the complement: GATA5 is on the minus strand). VCF-style: chr20-62473428-G-A. GRCh37 (hg19) VCF-style: chr20-61048484-G-A.
Other names: short protein forms P225L.
Identifiers: ClinVar variation 2074004 (VCV002074004.5), dbSNP rs782112827, ClinGen allele CA9946254.
Genomic context (GRCh38, chr20:62,473,428, plus strand): 5'-GCGCCCAGGCGCCCCTCTGCCCAGCCCGAACTCACCAGGCGCTTCTGAGGCCGAACGAGC[G>A]GCCGGTTGACGCCATTCATCTTGTGGTAGAGGCCGCAGGCATTGCACAGGTAGTGGCCGG-3'
Protein context (NP_536721.1, residues 215-235): LYHKMNGVNR[Pro225Leu]LVRPQKRLSS

ClinVar aggregate classification (germline): Conflicting classifications of pathogenicity. Review status: criteria provided, conflicting classifications (1 of 4 stars). 2 submissions from 2 submitters: Uncertain significance (1); Likely benign (1). Last evaluated 2025-12-02.

Allele frequency attached by ClinVar (database versions not stated): gnomAD 0.00001; gnomAD exomes 0.00002; TOPMed 0.00002; ExAC 0.00008.
gnomAD v4.1: 33 of 1,609,568 alleles (0.0021%); highest among the groups gnomAD compares: Admixed American, 0.013%; no homozygotes.

Submissions (2):

Labcorp Genetics (formerly Invitae), Labcorp
Classification: Uncertain significance. Last evaluated: 2025-12-02. Review status: criteria provided, single submitter. Criteria: Invitae Variant Classification Sherloc (09022015). Collection method: clinical testing. Allele origin: germline.
Comment: This sequence change replaces proline, which is neutral and non-polar, with leucine, which is neutral and non-polar, at codon 225 of the GATA5 protein (p.Pro225Leu). This variant is present in population databases (rs782112827, gnomAD 0.01%). This variant has not been reported in the literature in individuals affected with GATA5-related conditions. ClinVar contains an entry for this variant (Variation ID: 2074004). Invitae Evidence Modeling of protein sequence and biophysical properties (such as structural, functional, and spatial information, amino acid conservation, physicochemical variation, residue mobility, and thermodynamic stability) indicates that this missense variant is expected to disrupt GATA5 protein function with a positive predictive value of 80%. In summary, the available evidence is currently insufficient to determine the role of this variant in disease. Therefore, it has been classified as a Variant of Uncertain Significance.

Blueprint Genetics
Classification: Likely benign. Last evaluated: 2021-08-15. Review status: criteria provided, single submitter. Criteria: ACMG Guidelines, 2015. Collection method: clinical testing. Allele origin: germline.